The following is an entry in ClinVar:

NM_006031.6(PCNT):c.9161C>A (p.Ser3054Tyr)

Gene: PCNT (pericentrin; plus strand). Cytogenetic location: 21q22.3.
Variant type: single nucleotide variant.
Coding change: c.9161C>A on transcript NM_006031.6 (MANE Select); coding-DNA position 9161, C replaced by A.
Protein change: p.Ser3054Tyr; replaces serine 3054 with tyrosine.
Molecular consequence: missense variant.
Genome position (GRCh38, 1-based): chr21:46,438,225, C>A. VCF-style: chr21-46438225-C-A. GRCh37 (hg19) VCF-style: chr21-47858138-C-A.
Other names: c.8570C>A, p.Ser2857Tyr (NM_001315529.2); short protein forms S2857Y, S3054Y.
Identifiers: ClinVar variation 3354240 (VCV003354240.1).

ClinVar aggregate classification (germline): Uncertain significance (0 of 4 stars; one submission).

Conditions:
PCNT-related disorder. Also called: PCNT-related condition.

Submission:

PreventionGenetics, part of Exact Sciences
Classification: Uncertain significance for PCNT-related condition. Last evaluated: 2024-04-30. Review status: no assertion criteria provided. Collection method: clinical testing. Allele origin: germline.
Comment: The PCNT c.9161C>A variant is predicted to result in the amino acid substitution p.Ser3054Tyr. To our knowledge, this variant has not been reported in the literature. This variant is reported in 0.024% of alleles in individuals of African descent in gnomAD. At this time, the clinical significance of this variant is uncertain due to the absence of conclusive functional and genetic evidence.